The following is an entry in ClinVar:

ClinVar aggregate classification (germline): Conflicting classifications of pathogenicity. Review status: criteria provided, conflicting classifications (1 of 4 stars). 10 submissions from 9 submitters: Uncertain significance (2); Likely benign (7). 1 of the submissions does not count toward it. Last evaluated 2026-01-27.

Conditions:
Atypical hemolytic-uremic syndrome with B factor anomaly. Also called: HEMOLYTIC UREMIC SYNDROME, ATYPICAL, SUSCEPTIBILITY TO, 4; AHUS, SUSCEPTIBILITY TO, 4. Identifiers: Orphanet 2134, MedGen C2752038, MONDO:0013042, OMIM 612924.
Macular degeneration. Also called: Degenerative disorder of macula. Identifiers: MedGen C0024437, MONDO:0003004, HP:0000608.
Atypical hemolytic-uremic syndrome. Identifiers: Orphanet 2134, MedGen C2931788, MONDO:0016244.

Allele frequency attached by ClinVar (database versions not stated): 1000 Genomes Project 30x 0.00078; 1000 Genomes Project 0.00100; ESP Exome Variant Server 0.00154; TOPMed 0.00169; gnomAD 0.00175.
gnomAD v4.1: 2,256 of 1,613,684 alleles (0.14%); highest among the groups gnomAD compares: African/African-American, 0.3%; 1 homozygote.

Submissions (10):

Labcorp Genetics (formerly Invitae), Labcorp
Classification: Likely benign. Last evaluated: 2026-01-27. Review status: criteria provided, single submitter. Criteria: Invitae Variant Classification Sherloc (09022015). Collection method: clinical testing. Allele origin: germline.

Genomenon, Inc
Classification: Likely benign for Atypical hemolytic-uremic syndrome. Last evaluated: 2025-09-26. Review status: criteria provided, single submitter. Criteria: Genomenon Sequence Variant Interpretation Standards - Updated. Collection method: curation. Allele origin: germline. Affected: yes.
Comment: CFB p.Ile242Leu (c.724A>C) is a missense variant that changes the amino acid at residue 242 from Isoleucine to Leucine. This variant has been observed in at least one proband affected with atypical hemolytic-uremic syndrome (PMID:26826462;27870017;27268256;30890598;20513133). Functional studies have been reported; however, the significance of the findings remain unclear (PMID:34177949;24652797). This variant’s allele frequency in gnomAD is greater than expected for this disorder. In conclusion, we classify CFB p.Ile242Leu (c.724A>C) as a likely benign variant.

Mayo Clinic Laboratories, Mayo Clinic
Classification: Likely benign. Last evaluated: 2025-06-25. Review status: criteria provided, single submitter. Criteria: ACMG Guidelines, 2015. Collection method: clinical testing. Allele origin: germline. Observed: 13 variant alleles.
Comment: BS1, BS3_supporting

CeGaT Center for Human Genetics Tuebingen
Classification: Likely benign. Last evaluated: 2024-03-01. Review status: criteria provided, single submitter. Criteria: CeGaT Center For Human Genetics Tuebingen Variant Classification Criteria Version 2. Collection method: clinical testing. Allele origin: germline. Affected: yes. Observed: 1 variant allele.
Comment: CFB: BP4

GeneDx
Classification: Uncertain significance. Last evaluated: 2024-02-13. Review status: criteria provided, single submitter. Criteria: GeneDx Variant Classification Process June 2021. Collection method: clinical testing. Allele origin: germline. Affected: yes.
Comment: In silico analysis supports that this missense variant does not alter protein structure/function; This variant is associated with the following publications: (PMID: 30909646, 34426522, 26054779, 20513133, 24652797, 34177949, 27268256, 26826462, 28461395, 26283675, 37466676, 29327071, 27870017, 29148534, 29563339, 37744338, 29552364)

Mendelics
Classification: Uncertain significance for Atypical hemolytic-uremic syndrome with B factor anomaly. Last evaluated: 2023-02-14. Review status: criteria provided, single submitter. Criteria: Mendelics Assertion Criteria 2019. Collection method: clinical testing. Allele origin: germline.

Women's Health and Genetics/Laboratory Corporation of America, LabCorp
Classification: Likely benign. Last evaluated: 2022-12-21. Review status: criteria provided, single submitter. Criteria: LabCorp Variant Classification Summary - May 2015. Collection method: clinical testing. Allele origin: germline.
Comment: Variant summary: CFB c.724A>C (p.Ile242Leu) results in a conservative amino acid change in the encoded protein sequence. Four of five in-silico tools predict a benign effect of the variant on protein function. The variant allele was found at a frequency of 0.00097 in 248904 control chromosomes (gnomAD). The observed variant frequency is several-fold higher than the estimated maximal expected allele frequency for a pathogenic variant in CFB causing Genetic Atypical Hemolytic Uremic Syndrome phenotype (1.3e-08), strongly suggesting that the variant is benign. c.724A>C has been reported in the literature in individuals affected with Atypical Hemolytic Uremic Syndrome (e.g. Maga_2010, Gleeson_2016, Szarvas_2016, Merrill_2017, Vaught_2018). These reports do not provide unequivocal conclusions about association of the variant with Genetic Atypical Hemolytic Uremic Syndrome. Experimental evidence evaluating an impact on protein function could not identify any clear functional consequences of the variant (Marinozzi_2014, Aradottir_2021). Marinozzi et al (2014) concluded that the variant does not fulfill the criteria to be considered as a gain of function change, and that it may be a risk factor affecting the aHUS penetrance and severity but cannot be considered as disease-causing mutation. Five ClinVar submitters (evaluation after 2014) cite the variant with conflicting assessments: likely benign (n=2), uncertain significance (n=2) and pathogenic (n=1). Based on the evidence outlined above, the variant was classified as likely benign.

Illumina Laboratory Services, Illumina
Classification: Likely benign for Atypical hemolytic-uremic syndrome with B factor anomaly. Last evaluated: 2017-04-27. Review status: criteria provided, single submitter. Criteria: ICSL Variant Classification Criteria 13 December 2019. Collection method: clinical testing. Allele origin: germline.
Comment: This variant was observed as part of a predisposition screen in an ostensibly healthy population. A literature search was performed for the gene, cDNA change, and amino acid change (where applicable). Publications were found based on this search. The evidence from the literature, in combination with allele frequency data from public databases where available, was sufficient to determine this variant is unlikely to cause disease. Therefore, this variant is classified as likely benign.

Illumina Laboratory Services, Illumina
Classification: Likely benign for Macular degeneration. Last evaluated: 2017-04-27. Review status: criteria provided, single submitter. Criteria: ICSL Variant Classification Criteria 13 December 2019. Collection method: clinical testing. Allele origin: germline.
Comment: This variant was observed as part of a predisposition screen in an ostensibly healthy population. A literature search was performed for the gene, cDNA change, and amino acid change (where applicable). No publications were found based on this search. Allele frequency data from public databases allowed determination this variant is unlikely to cause disease. Therefore, this variant is classified as likely benign.

Sydney Genome Diagnostics, Children's Hospital Westmead
Classification: Uncertain significance for Atypical hemolytic-uremic syndrome. Last evaluated: 2018-08-28. Review status: no assertion criteria provided. Collection method: clinical testing. Allele origin: unknown. Affected: yes. Observed: 1 variant allele, 1 heterozygote. Not counted in ClinVar's aggregate classification.
Comment: This variant (dbSNP: rs144812066) in the heterozygous state has been previously reported in patients with atypical hemolytic uremic syndrome (aHUS) (Maga et al 2010 Hum Mutat 31:E1445-60; Orandi et al 2015 Clin Pediatr (Phila) 55:308-311) however no functional studies or evidence for pathogenicity were provided. This variant has been reported in the ExAC database with an allele frequency of 0.099% (116/117380 alleles). In silico analysis (Alamut Visual 2.7.7.2) is inconclusive regarding this change; Mutation Taster predicts it to be likely pathogenic whereas Align GVGD, SIFT and PolyPhen2 predicts this variant to be benign. Heterozygous variants in CFB have been reported to confer susceptibility to atypical hemolytic uremic syndrome (aHUS) (OMIM 612924). The inheritance is typically autosomal dominant and can show incomplete penetrance (Genereviews PMID: 20301541).

Literature cited by the submitters: PubMed 26826462 (cited by Genomenon, Inc and Women's Health and Genetics/Laboratory Corporation of America, LabCorp); 27870017 (cited by Genomenon, Inc); 27268256 (cited by Genomenon, Inc); 30890598 (cited by Genomenon, Inc); 20513133 (cited by Genomenon, Inc); 34177949 (cited by Genomenon, Inc); 24652797 (cited by Genomenon, Inc); PubMed 34177949 (cited by Mayo Clinic Laboratories, Mayo Clinic and Women's Health and Genetics/Laboratory Corporation of America, LabCorp); PubMed 26283675 (cited by Women's Health and Genetics/Laboratory Corporation of America, LabCorp); PubMed 27870017 (cited by Women's Health and Genetics/Laboratory Corporation of America, LabCorp); PubMed 27268256 (cited by Women's Health and Genetics/Laboratory Corporation of America, LabCorp); PubMed 29148534 (cited by Women's Health and Genetics/Laboratory Corporation of America, LabCorp); PubMed 20513133 (cited by Women's Health and Genetics/Laboratory Corporation of America, LabCorp and Illumina Laboratory Services, Illumina); PubMed 24652797 (cited by Women's Health and Genetics/Laboratory Corporation of America, LabCorp and Illumina Laboratory Services, Illumina); PubMed 28461395 (cited by Women's Health and Genetics/Laboratory Corporation of America, LabCorp); PubMed 29563339 (cited by Women's Health and Genetics/Laboratory Corporation of America, LabCorp); PubMed 26054779 (cited by Illumina Laboratory Services, Illumina).

NM_001710.6(CFB):c.724A>C (p.Ile242Leu)

Gene: CFB (complement factor B; plus strand). Cytogenetic location: 6p21.33.
Variant type: single nucleotide variant.
Coding change: c.724A>C on transcript NM_001710.6 (MANE Select); coding-DNA position 724, A replaced by C.
Protein change: p.Ile242Leu; replaces isoleucine 242 with leucine.
Molecular consequence: missense variant.
Genome position (GRCh38, 1-based): chr6:31,947,807, A>C. VCF-style: chr6-31947807-A-C. GRCh37 (hg19) VCF-style: chr6-31915584-A-C.
Other names: short protein forms I242L.
Identifiers: ClinVar variation 356279 (VCV000356279.49), dbSNP rs144812066, ClinGen allele CA3728125.
Genomic context (GRCh38, chr6:31,947,807, plus strand): 5'-TTCATGTACGACACCCCTCAAGAGGTGGCCGAAGCTTTCCTGTCTTCCCTGACAGAGACC[A>C]TAGAAGGAGTCGATGCTGAGGATGGGCACGGCCCAGGTTTGAAGACAGAGAAGGGAGGCA-3'
Protein context (NP_001701.2, residues 232-252): EAFLSSLTET[Ile242Leu]EGVDAEDGHG